The following is an entry in ClinVar:

NM_003119.4(SPG7):c.1991A>C (p.Gln664Pro)

Gene: SPG7 (SPG7 matrix AAA peptidase subunit, paraplegin; plus strand). Cytogenetic location: 16q24.3.
Variant type: single nucleotide variant.
Coding change: c.1991A>C on transcript NM_003119.4 (MANE Select); coding-DNA position 1991, A replaced by C.
Protein change: p.Gln664Pro; replaces glutamine 664 with proline.
Molecular consequence: missense variant.
Genome position (GRCh38, 1-based): chr16:89,553,848, A>C. VCF-style: chr16-89553848-A-C. GRCh37 (hg19) VCF-style: chr16-89620256-A-C.
Other names: c.1991A>C, p.Gln664Pro (NM_001363850.1); short protein forms Q664P.
Identifiers: ClinVar variation 2124927 (VCV002124927.4), dbSNP rs2543849804, ClinGen allele CA397433892.

ClinVar aggregate classification (germline): Uncertain significance (1 of 4 stars; one submission).

Conditions:
Hereditary spastic paraplegia 7 (SPG7). Also called: Spastic paraplegia 7; Hereditary spastic paraplegia Paraplegin type; SPG7-related neurologic disorder; SPASTIC PARAPLEGIA 7, AUTOSOMAL RECESSIVE, WITH OR WITHOUT CEREBELLAR ATAXIA; Autosomal recessive spastic paraplegia type 7. Identifiers: Orphanet 99013, MedGen C1846564, MONDO:0011803, OMIM 607259.

Submission:

Labcorp Genetics (formerly Invitae), Labcorp
Classification: Uncertain significance for Hereditary spastic paraplegia 7. Last evaluated: 2022-04-21. Review status: criteria provided, single submitter. Criteria: Invitae Variant Classification Sherloc (09022015). Collection method: clinical testing. Allele origin: germline.
Comment: In summary, the available evidence is currently insufficient to determine the role of this variant in disease. Therefore, it has been classified as a Variant of Uncertain Significance. Advanced modeling of protein sequence and biophysical properties (such as structural, functional, and spatial information, amino acid conservation, physicochemical variation, residue mobility, and thermodynamic stability) performed at Invitae indicates that this missense variant is expected to disrupt SPG7 protein function. This variant has not been reported in the literature in individuals affected with SPG7-related conditions. This variant is not present in population databases (gnomAD no frequency). This sequence change replaces glutamine, which is neutral and polar, with proline, which is neutral and non-polar, at codon 664 of the SPG7 protein (p.Gln664Pro).